The following is an entry in ClinVar:

ClinVar aggregate classification (germline): Uncertain significance (1 of 4 stars; one submission).

Submission:

Women's Health and Genetics/Laboratory Corporation of America, LabCorp
Classification: Uncertain significance. Last evaluated: 2026-02-03. Review status: criteria provided, single submitter. Criteria: LabCorp Variant Classification Summary - May 2015. Collection method: clinical testing. Allele origin: germline.
Comment: Variant summary: F8 c.61A>G (p.Thr21Ala) results in a non-conservative amino acid change in the encoded protein sequence. Algorithms developed to predict the effect of missense changes on protein structure and function are either unavailable or do not agree on the potential impact of this missense change. The variant was absent in 183449 control chromosomes. The available data on variant occurrences in the general population are insufficient to allow any conclusion about variant significance. To our knowledge, no occurrence of c.61A>G in individuals affected with F8-related conditions and no experimental evidence demonstrating its impact on protein function have been reported. No submitters have cited clinical-significance assessments for this variant to ClinVar. Based on the evidence outlined above, the variant was classified as uncertain significance.

NM_000132.4(F8):c.61A>G (p.Thr21Ala)

Gene: F8 (coagulation factor VIII; minus strand). Cytogenetic location: Xq28.
Variant type: single nucleotide variant.
Coding change: c.61A>G on transcript NM_000132.4 (MANE Select); coding-DNA position 61, A replaced by G.
Protein change: p.Thr21Ala; replaces threonine 21 with alanine.
Molecular consequence: missense variant.
Genome position (GRCh38, 1-based): chrX:155,022,492, T>C on the plus strand (A>G on the coding strand, the complement: F8 is on the minus strand). VCF-style: chrX-155022492-T-C. GRCh37 (hg19) VCF-style: chrX-154250767-T-C.
Other names: short protein forms T21A.
Identifiers: ClinVar variation 4848092 (VCV004848092.1).